The following is an entry in ClinVar:

NM_001371623.1(TCOF1):c.2349C>G (p.Thr783=)

Gene: TCOF1 (treacle ribosome biogenesis factor 1; plus strand). Cytogenetic location: 5q32.
Variant type: single nucleotide variant.
Coding change: c.2349C>G on transcript NM_001371623.1 (MANE Select); coding-DNA position 2349, C replaced by G.
Protein change: p.Thr783=; no amino-acid change (threonine 783 retained).
Molecular consequence: synonymous variant.
Genome position (GRCh38, 1-based): chr5:150,378,913, C>G. VCF-style: chr5-150378913-C-G. GRCh37 (hg19) VCF-style: chr5-149758476-C-G.
Other names: c.2118C>G, p.Thr706= (NM_000356.4, NM_001135245.2); c.2349C>G, p.Thr783= (NM_001008657.3, NM_001135243.2, NM_001135244.2 and 1 more transcripts).
Identifiers: ClinVar variation 3389782 (VCV003389782.14).

ClinVar aggregate classification (germline): Likely benign (1 of 4 stars; one submission).

gnomAD v4.1: 1 of 1,614,080 alleles (0.000062%); highest among the groups gnomAD compares: East Asian, 0.0022%; no homozygotes.

Submission:

CeGaT Center for Human Genetics Tuebingen
Classification: Likely benign. Last evaluated: 2024-09-01. Review status: criteria provided, single submitter. Criteria: CeGaT Center For Human Genetics Tuebingen Variant Classification Criteria Version 2. Collection method: clinical testing. Allele origin: germline. Affected: yes. Observed: 1 variant allele.
Comment: TCOF1: BP4, BP7